The following is an entry in ClinVar:

ClinVar aggregate classification (germline): Uncertain significance. Review status: criteria provided, multiple submitters, no conflicts (2 of 4 stars). 2 submissions from 2 submitters: Uncertain significance (2). Last evaluated 2025-01-19.

Conditions:
Beta-D-mannosidosis (MANSB). Also called: BETA-MANNOSIDASE DEFICIENCY; MANNOSIDOSIS, BETA A, LYSOSOMAL; LYSOSOMAL BETA-MANNOSIDASE DEFICIENCY; Beta-Mannosidosis. Identifiers: Orphanet 118, MedGen C4048196, MONDO:0009562, OMIM 248510.

Allele frequency attached by ClinVar (database versions not stated): TOPMed 0.00004; ExAC 0.00008; gnomAD 0.00009.
gnomAD v4.1: 131 of 1,613,328 alleles (0.0081%); highest among the groups gnomAD compares: Non-Finnish European, 0.0039%; 1 homozygote.

Submissions (2):

Labcorp Genetics (formerly Invitae), Labcorp
Classification: Uncertain significance for Beta-D-mannosidosis. Last evaluated: 2025-01-19. Review status: criteria provided, single submitter. Criteria: Invitae Variant Classification Sherloc (09022015). Collection method: clinical testing. Allele origin: germline.
Comment: This sequence change replaces methionine, which is neutral and non-polar, with leucine, which is neutral and non-polar, at codon 846 of the MANBA protein (p.Met846Leu). This variant is present in population databases (rs200175441, gnomAD 0.1%). This variant has not been reported in the literature in individuals affected with MANBA-related conditions. ClinVar contains an entry for this variant (Variation ID: 2051198). Invitae Evidence Modeling of protein sequence and biophysical properties (such as structural, functional, and spatial information, amino acid conservation, physicochemical variation, residue mobility, and thermodynamic stability) indicates that this missense variant is not expected to disrupt MANBA protein function with a negative predictive value of 80%. In summary, the available evidence is currently insufficient to determine the role of this variant in disease. Therefore, it has been classified as a Variant of Uncertain Significance.

Blueprint Genetics
Classification: Uncertain significance. Last evaluated: 2024-11-04. Review status: criteria provided, single submitter. Criteria: ACMG Guidelines, 2015. Collection method: clinical testing. Allele origin: germline.

NM_005908.4(MANBA):c.2536A>C (p.Met846Leu)

Gene: MANBA (mannosidase beta; minus strand). Cytogenetic location: 4q24.
Variant type: single nucleotide variant.
Coding change: c.2536A>C on transcript NM_005908.4 (MANE Select); coding-DNA position 2536, A replaced by C.
Protein change: p.Met846Leu; replaces methionine 846 with leucine.
Molecular consequence: missense variant.
Genome position (GRCh38, 1-based): chr4:102,632,161, T>G on the plus strand (A>C on the coding strand, the complement: MANBA is on the minus strand). VCF-style: chr4-102632161-T-G. GRCh37 (hg19) VCF-style: chr4-103553318-T-G.
Other names: short protein forms M846L.
Identifiers: ClinVar variation 2051198 (VCV002051198.3), dbSNP rs200175441, ClinGen allele CA3026593.